The following is an entry in ClinVar:

NM_024426.6(WT1):c.455G>A (p.Gly152Asp)

Genes: WT1 (WT1 transcription factor; minus strand), LOC107982234 (WT1/WT1-AS bi-directional promoter region; plus strand). Cytogenetic location: 11p13.
Variant type: single nucleotide variant.
Coding change: c.455G>A on transcript NM_024426.6 (MANE Select); coding-DNA position 455, G replaced by A.
Protein change: p.Gly152Asp; replaces glycine 152 with aspartic acid.
Molecular consequence: missense variant. On other transcripts: non-coding transcript variant (1).
Genome position (GRCh38, 1-based): chr11:32,434,906, C>T on the plus strand (G>A on the coding strand, the complement: WT1 is on the minus strand). VCF-style: chr11-32434906-C-T. GRCh37 (hg19) VCF-style: chr11-32456452-C-T.
Other names: c.455G>A, p.Gly152Asp (NM_000378.6, NM_024424.5); short protein forms G152D.
Identifiers: ClinVar variation 962946 (VCV000962946.10), dbSNP rs1853446628, ClinGen allele CA379965035.

ClinVar aggregate classification (germline): Uncertain significance (1 of 4 stars; one submission).

Conditions:
Wilms tumor 1 (WT1). Also called: Wilms tumor, somatic. Identifiers: Orphanet 654, MedGen CN033288, MONDO:0008679, OMIM 194070.
11p partial monosomy syndrome (WAGR). Also called: WAGR Spectrum Disorder; CHROMOSOME 11p13 DELETION SYNDROME; WAGR syndrome; WAGR Complex. Identifiers: Orphanet 893, MedGen C0206115, MONDO:0008681, OMIM 194072.
Drash syndrome (DDS). Also called: WILMS TUMOR AND PSEUDO- OR TRUE HERMAPHRODITISM; NEPHROPATHY, WILMS TUMOR, AND GENITAL ANOMALIES. Identifiers: Orphanet 220, MedGen C0950121, MONDO:0008682, OMIM 194080.
Frasier syndrome. Identifiers: Orphanet 347, MedGen C0950122, MeSH D052159, MONDO:0007635, OMIM 136680.

Submission:

Labcorp Genetics (formerly Invitae), Labcorp
Classification: Uncertain significance for Wilms tumor 1; Drash syndrome; 11p partial monosomy syndrome; Frasier syndrome. Last evaluated: 2023-02-10. Review status: criteria provided, single submitter. Criteria: Invitae Variant Classification Sherloc (09022015). Collection method: clinical testing. Allele origin: germline.
Comment: In summary, the available evidence is currently insufficient to determine the role of this variant in disease. Therefore, it has been classified as a Variant of Uncertain Significance. Algorithms developed to predict the effect of missense changes on protein structure and function are either unavailable or do not agree on the potential impact of this missense change (SIFT: "Tolerated"; PolyPhen-2: "Possibly Damaging"; Align-GVGD: "Class C0"). ClinVar contains an entry for this variant (Variation ID: 962946). This variant has not been reported in the literature in individuals affected with WT1-related conditions. This variant is not present in population databases (gnomAD no frequency). This sequence change replaces glycine, which is neutral and non-polar, with aspartic acid, which is acidic and polar, at codon 147 of the WT1 protein (p.Gly147Asp).